The following is an entry in ClinVar:

ClinVar aggregate classification (germline): Conflicting classifications of pathogenicity. Review status: criteria provided, conflicting classifications (1 of 4 stars). 5 submissions from 5 submitters: Uncertain significance (1); Benign (3); Likely benign (1). Last evaluated 2026-01-31.

Conditions:
Myofibrillar myopathy 5. Also called: Filaminopathy (type); FILAMINOPATHY, AUTOSOMAL DOMINANT. Identifiers: Orphanet 171445, MedGen C1836050, MONDO:0012289, OMIM 609524.
Hypertrophic cardiomyopathy 26. Also called: Cardiomyopathy, familial hypertrophic, 26. Identifiers: Orphanet 75249, MedGen C4310749, MONDO:0014883, OMIM 617047.
Distal myopathy with posterior leg and anterior hand involvement. Also called: WILLIAMS DISTAL MYOPATHY. Identifiers: Orphanet 63273, MedGen C3279722, MONDO:0013550, OMIM 614065.
Cardiovascular phenotype. Identifiers: MedGen CN230736.
Cardiomyopathy (CMYO). Also called: Cardiomyopathies. Identifiers: Orphanet 167848, MedGen C0878544, MONDO:0004994, HP:0001638. Inheritance: Various modes of inheritance.

Submissions (5):

Labcorp Genetics (formerly Invitae), Labcorp
Classification: Benign for Distal myopathy with posterior leg and anterior hand involvement; Myofibrillar myopathy 5; Hypertrophic cardiomyopathy 26. Last evaluated: 2026-01-31. Review status: criteria provided, single submitter. Criteria: Invitae Variant Classification Sherloc (09022015). Collection method: clinical testing. Allele origin: germline.

Molecular Diagnostic Laboratory for Inherited Cardiovascular Disease, Montreal Heart Institute
Classification: Likely benign. Last evaluated: 2025-04-09. Review status: criteria provided, single submitter. Criteria: ACMG Guidelines, 2015. Collection method: clinical testing. Allele origin: germline. Affected: no.
Comment: PM2;BP4;BP6

CHEO Genetics Diagnostic Laboratory, Children's Hospital of Eastern Ontario
Classification: Benign for Cardiomyopathy. Last evaluated: 2023-06-23. Review status: criteria provided, single submitter. Criteria: ACMG Guidelines, 2015. Collection method: clinical testing. Allele origin: germline.

Ambry Genetics
Classification: Benign for Cardiovascular phenotype. Last evaluated: 2022-08-04. Review status: criteria provided, single submitter. Criteria: Ambry Variant Classification Scheme 2023. Collection method: clinical testing. Allele origin: germline.

Mayo Clinic Laboratories, Mayo Clinic
Classification: Uncertain significance. Last evaluated: 2021-10-11. Review status: criteria provided, single submitter. Criteria: ACMG Guidelines, 2015. Collection method: clinical testing. Allele origin: germline.

NM_001458.5(FLNC):c.5763_5764inv (p.Ala1922Thr)

Genes: FLNC (filamin C; plus strand), FLNC-AS1 (FLNC antisense RNA 1; minus strand). Cytogenetic location: 7q32.1.
Variant type: Inversion.
Coding change: c.5763_5764inv on transcript NM_001458.5 (MANE Select).
Protein change: p.Ala1922Thr; replaces alanine 1922 with threonine.
Molecular consequence: missense variant.
Genome position: GRCh38 VCF-style: chr7-128851549-TG-CA. GRCh37 (hg19) VCF-style: chr7-128491603-TG-CA.
Other names: c.5763_5764invTG (NM_001458.4); c.5763_5764delinsCA (NM_001458.4); c.5664_5665inv, p.Ala1889Thr (NM_001127487.2); short protein forms A1889T, A1922T.
Identifiers: ClinVar variation 472109 (VCV000472109.53), ClinGen allele CA658657723.